The following is an entry in ClinVar:

ClinVar aggregate classification (germline): Uncertain significance. Review status: criteria provided, multiple submitters, no conflicts (2 of 4 stars). 3 submissions from 3 submitters: Uncertain significance (3). Last evaluated 2026-04-25.

Conditions:
ESRRB-related disorder. Also called: ESRRB-related condition.

Allele frequency attached by ClinVar (database versions not stated): gnomAD 0.00002; gnomAD exomes 0.00002 and 0.00010; ExAC 0.00004; TOPMed 0.00009.
gnomAD v4.1: 40 of 1,612,032 alleles (0.0025%); highest among the groups gnomAD compares: East Asian, 0.033%; no homozygotes.

Submissions (3):

PreventionGenetics, part of Exact Sciences
Classification: Uncertain significance for ESRRB-related condition. Last evaluated: 2026-04-25. Review status: criteria provided, single submitter. Criteria: ACMG Guidelines, 2015. Collection method: clinical testing. Allele origin: germline.
Comment: The ESRRB c.121G>A variant is predicted to result in the amino acid substitution p.Ala41Thr. To our knowledge, this variant has not been reported in the literature. This variant is reported in 0.049% of alleles in individuals of Latino descent in gnomAD. At this time, the clinical significance of this variant is uncertain due to the absence of conclusive functional and genetic evidence.

Labcorp Genetics (formerly Invitae), Labcorp
Classification: Uncertain significance. Last evaluated: 2022-07-05. Review status: criteria provided, single submitter. Criteria: Invitae Variant Classification Sherloc (09022015). Collection method: clinical testing. Allele origin: germline.
Comment: This sequence change replaces alanine, which is neutral and non-polar, with threonine, which is neutral and polar, at codon 41 of the ESRRB protein (p.Ala41Thr). This variant is present in population databases (rs775825368, gnomAD 0.05%). This variant has not been reported in the literature in individuals affected with ESRRB-related conditions. ClinVar contains an entry for this variant (Variation ID: 1367448). Algorithms developed to predict the effect of missense changes on protein structure and function are either unavailable or do not agree on the potential impact of this missense change (SIFT: "Deleterious"; PolyPhen-2: "Benign"; Align-GVGD: "Class C0"). In summary, the available evidence is currently insufficient to determine the role of this variant in disease. Therefore, it has been classified as a Variant of Uncertain Significance.

Ambry Genetics
Classification: Uncertain significance. Last evaluated: 2021-10-26. Review status: criteria provided, single submitter. Criteria: Ambry Variant Classification Scheme 2023. Collection method: clinical testing. Allele origin: germline.

NM_001379180.1(ESRRB):c.184G>A (p.Ala62Thr)

Gene: ESRRB (estrogen related receptor beta; plus strand). Cytogenetic location: 14q24.3.
Variant type: single nucleotide variant.
Coding change: c.184G>A on transcript NM_001379180.1 (MANE Select); coding-DNA position 184, G replaced by A.
Protein change: p.Ala62Thr; replaces alanine 62 with threonine.
Molecular consequence: missense variant.
Genome position (GRCh38, 1-based): chr14:76,439,474, G>A. VCF-style: chr14-76439474-G-A. GRCh37 (hg19) VCF-style: chr14-76905817-G-A.
Other names: c.121G>A, p.Ala41Thr (NM_004452.4); c.121G>A (NM_004452.3); short protein forms A62T, A41T.
Identifiers: ClinVar variation 1367448 (VCV001367448.5), dbSNP rs775825368, ClinGen allele CA7281523.